The following is an entry in ClinVar:

ClinVar aggregate classification (germline): Uncertain significance. Review status: criteria provided, multiple submitters, no conflicts (2 of 4 stars). 9 submissions from 8 submitters: Uncertain significance (8). 1 of the submissions does not count toward it. Last evaluated 2023-05-12.

Conditions:
Autosomal recessive nonsyndromic hearing loss 4 (DFNB4). Also called: FOXI1-Related Pendred Syndrome; KCNJ10-Related Pendred Syndrome; DEAFNESS, AUTOSOMAL RECESSIVE 4, WITH ENLARGED VESTIBULAR AQUEDUCT, DIGENIC; NEUROSENSORY NONSYNDROMIC RECESSIVE DEAFNESS 4; Nonsyndromic enlarged vestibular aqueduct (NSEVA); Deafness, autosomal recessive 4, with enlarged vestibular aqueduct. Identifiers: Orphanet 90636, MedGen C3538946, MONDO:0010933, OMIM 600791.
Pendred syndrome (PDS). Also called: THYROID DYSHORMONOGENESIS 2B; THYROID HORMONOGENESIS, GENETIC DEFECT IN, 2B; DEAFNESS WITH GOITER; GOITER-DEAFNESS SYNDROME; HYPOTHYROIDISM, CONGENITAL, DUE TO DYSHORMONOGENESIS, 2B; Pendred's syndrome. Identifiers: Orphanet 705, MedGen C0271829, MONDO:0010134, OMIM 274600.

Allele frequency attached by ClinVar (database versions not stated): gnomAD 0.00001 and 0.00003; TOPMed 0.00001; ExAC 0.00004; 1000 Genomes Project 30x 0.00031; 1000 Genomes Project 0.00040.

Submissions (9):

Revvity Omics, Revvity
Classification: Uncertain significance. Last evaluated: 2023-05-12. Review status: criteria provided, single submitter. Criteria: ACMG Guidelines, 2015. Collection method: clinical testing. Allele origin: germline.

GeneDx
Classification: Uncertain significance. Last evaluated: 2022-12-19. Review status: criteria provided, single submitter. Criteria: GeneDx Variant Classification Process June 2021. Collection method: clinical testing. Allele origin: germline. Affected: yes.
Comment: Reported without a second variant in a patient with auditory neuropathy spectrum disorder in published literature (Dahl et al., 2013); In silico analysis supports that this missense variant has a deleterious effect on protein structure/function; This variant is associated with the following publications: (PMID: 32508047, 23555729)

Labcorp Genetics (formerly Invitae), Labcorp
Classification: Uncertain significance. Last evaluated: 2022-07-19. Review status: criteria provided, single submitter. Criteria: Invitae Variant Classification Sherloc (09022015). Collection method: clinical testing. Allele origin: germline.
Comment: This sequence change replaces arginine, which is basic and polar, with glutamine, which is neutral and polar, at codon 79 of the SLC26A4 protein (p.Arg79Gln). This variant is present in population databases (rs200706874, gnomAD 0.03%). This missense change has been observed in individual(s) with SLC26A4-related conditions (PMID: 23555729, 29605365). ClinVar contains an entry for this variant (Variation ID: 502106). Advanced modeling of protein sequence and biophysical properties (such as structural, functional, and spatial information, amino acid conservation, physicochemical variation, residue mobility, and thermodynamic stability) performed at Invitae indicates that this missense variant is not expected to disrupt SLC26A4 protein function. In summary, the available evidence is currently insufficient to determine the role of this variant in disease. Therefore, it has been classified as a Variant of Uncertain Significance.

Genome-Nilou Lab
Classification: Uncertain significance for Autosomal recessive nonsyndromic hearing loss 4. Last evaluated: 2021-09-05. Review status: criteria provided, single submitter. Criteria: ACMG Guidelines, 2015. Collection method: clinical testing. Allele origin: germline. Affected: no.

Genome-Nilou Lab
Classification: Uncertain significance for Pendred syndrome. Last evaluated: 2021-09-05. Review status: criteria provided, single submitter. Criteria: ACMG Guidelines, 2015. Collection method: clinical testing. Allele origin: germline. Affected: no.

Fulgent Genetics
Classification: Uncertain significance for Pendred syndrome; Autosomal recessive nonsyndromic hearing loss 4. Last evaluated: 2021-08-17. Review status: criteria provided, single submitter. Criteria: ACMG Guidelines, 2015. Collection method: clinical testing. Allele origin: unknown.

Blueprint Genetics
Classification: Uncertain significance. Last evaluated: 2019-07-09. Review status: criteria provided, single submitter. Criteria: ACMG Guidelines, 2015. Collection method: clinical testing. Allele origin: germline.

Eurofins Ntd Llc (ga)
Classification: Uncertain significance. Last evaluated: 2017-05-26. Review status: criteria provided, single submitter. Criteria: EGL Classification Definitions 2015. Collection method: clinical testing. Allele origin: germline. Observed: 1 variant allele, 1 heterozygote.

Counsyl
Classification: Uncertain significance for Pendred syndrome. Last evaluated: 2017-02-23. Review status: no assertion criteria provided. Collection method: clinical testing. Allele origin: unknown. Not counted in ClinVar's aggregate classification.

Literature cited by the submitters: PubMed 23555729 (cited by Labcorp Genetics (formerly Invitae), Labcorp and Counsyl); PubMed 29605365 (cited by Labcorp Genetics (formerly Invitae), Labcorp).

NM_000441.2(SLC26A4):c.236G>A (p.Arg79Gln)

Gene: SLC26A4 (solute carrier family 26 member 4; plus strand). Cytogenetic location: 7q22.3.
Variant type: single nucleotide variant.
Coding change: c.236G>A on transcript NM_000441.2 (MANE Select); coding-DNA position 236, G replaced by A.
Protein change: p.Arg79Gln; replaces arginine 79 with glutamine.
Molecular consequence: missense variant.
Genome position (GRCh38, 1-based): chr7:107,663,367, G>A. VCF-style: chr7-107663367-G-A. GRCh37 (hg19) VCF-style: chr7-107303812-G-A.
Other names: short protein forms R79Q.
Identifiers: ClinVar variation 502106 (VCV000502106.14), dbSNP rs200706874, ClinGen allele CA4432405.